The following is an entry in ClinVar:

ClinVar aggregate classification (germline): Uncertain significance (1 of 4 stars; one submission).

Submission:

Ambry Genetics
Classification: Uncertain significance. Last evaluated: 2023-09-23. Review status: criteria provided, single submitter. Criteria: Ambry Variant Classification Scheme 2023. Collection method: clinical testing. Allele origin: germline.
Comment: The p.T1940S variant (also known as c.5818A>T), located in coding exon 18 of the POLQ gene, results from an A to T substitution at nucleotide position 5818. The threonine at codon 1940 is replaced by serine, an amino acid with similar properties. This amino acid position is conserved. In addition, this alteration is predicted to be tolerated by in silico analysis. Since supporting evidence is limited at this time, the clinical significance of this alteration remains unclear.

NM_199420.4(POLQ):c.5818A>T (p.Thr1940Ser)

Gene: POLQ (DNA polymerase theta; minus strand). Cytogenetic location: 3q13.33.
Variant type: single nucleotide variant.
Coding change: c.5818A>T on transcript NM_199420.4 (MANE Select); coding-DNA position 5818, A replaced by T.
Protein change: p.Thr1940Ser; replaces threonine 1940 with serine.
Molecular consequence: missense variant.
Genome position (GRCh38, 1-based): chr3:121,483,538, T>A on the plus strand (A>T on the coding strand, the complement: POLQ is on the minus strand). VCF-style: chr3-121483538-T-A. GRCh37 (hg19) VCF-style: chr3-121202385-T-A.
Other names: short protein forms T1940S.
Identifiers: ClinVar variation 3230073 (VCV003230073.1), dbSNP rs2546781818, ClinGen allele CA354088730.